The following is an entry in ClinVar:

NM_001035.3(RYR2):c.410G>C (p.Arg137Pro)

Gene: RYR2 (ryanodine receptor 2; plus strand). Cytogenetic location: 1q43.
Variant type: single nucleotide variant.
Coding change: c.410G>C on transcript NM_001035.3 (MANE Select); coding-DNA position 410, G replaced by C.
Protein change: p.Arg137Pro; replaces arginine 137 with proline.
Molecular consequence: missense variant.
Genome position (GRCh38, 1-based): chr1:237,374,742, G>C. VCF-style: chr1-237374742-G-C. GRCh37 (hg19) VCF-style: chr1-237538042-G-C.
Other names: short protein forms R137P.
Identifiers: ClinVar variation 3369253 (VCV003369253.1).

ClinVar aggregate classification (germline): Uncertain significance (1 of 4 stars; one submission).

gnomAD v4.1: 2 of 1,612,930 alleles (0.00012%); highest among the groups gnomAD compares: Non-Finnish European, 0.000085%; no homozygotes.

Submission:

GeneDx
Classification: Uncertain significance. Last evaluated: 2024-02-16. Review status: criteria provided, single submitter. Criteria: GeneDx Variant Classification Process June 2021. Collection method: clinical testing. Allele origin: germline. Affected: yes.
Comment: Not observed at significant frequency in large population cohorts (gnomAD); In silico analysis supports that this missense variant has a deleterious effect on protein structure/function; Has not been previously published as pathogenic or benign to our knowledge; This variant is associated with the following publications: (PMID: 19926015)